The following is an entry in ClinVar:

NM_014780.5(CUL7):c.426C>T (p.His142=)

Gene: CUL7 (cullin 7; minus strand). Cytogenetic location: 6p21.1.
Variant type: single nucleotide variant.
Coding change: c.426C>T on transcript NM_014780.5 (MANE Select); coding-DNA position 426, C replaced by T.
Protein change: p.His142=; no amino-acid change (histidine 142 retained).
Molecular consequence: synonymous variant.
Genome position (GRCh38, 1-based): chr6:43,052,363, G>A on the plus strand (C>T on the coding strand, the complement: CUL7 is on the minus strand). VCF-style: chr6-43052363-G-A. GRCh37 (hg19) VCF-style: chr6-43020101-G-A.
Other names: c.426C>T, p.His142= (NM_001168370.2, NM_001374872.1, NM_001374873.1 and 1 more transcripts).
Identifiers: ClinVar variation 756046 (VCV000756046.13), dbSNP rs138730481, ClinGen allele CA3814398.

ClinVar aggregate classification (germline): Conflicting classifications of pathogenicity. Review status: criteria provided, conflicting classifications (1 of 4 stars). 3 submissions from 3 submitters: Uncertain significance (1); Likely benign (1). 1 of the submissions does not count toward it. Last evaluated 2023-06-15.

Conditions:
CUL7-related disorder. Also called: CUL7-related condition.
3M syndrome 1. Also called: 3-M Syndrome, CUL7-Related. Identifiers: Orphanet 2616, MedGen C2678312, MONDO:0010117, OMIM 273750.

Allele frequency attached by ClinVar (database versions not stated): TOPMed 0.00006; gnomAD 0.00007 and 0.00008; ESP Exome Variant Server 0.00008; gnomAD exomes 0.00008 and 0.00009; ExAC 0.00010.
gnomAD v4.1: 134 of 1,614,158 alleles (0.0083%); highest among the groups gnomAD compares: Non-Finnish European, 0.011%; no homozygotes.

Submissions (3):

Labcorp Genetics (formerly Invitae), Labcorp
Classification: Likely benign. Last evaluated: 2023-06-15. Review status: criteria provided, single submitter. Criteria: Invitae Variant Classification Sherloc (09022015). Collection method: clinical testing. Allele origin: germline.

Illumina Laboratory Services, Illumina
Classification: Uncertain significance for 3M syndrome 1. Last evaluated: 2017-04-28. Review status: criteria provided, single submitter. Criteria: ICSL Variant Classification Criteria 13 December 2019. Collection method: clinical testing. Allele origin: germline.

PreventionGenetics, part of Exact Sciences
Classification: Likely benign for CUL7-related condition. Last evaluated: 2019-09-17. Review status: no assertion criteria provided. Collection method: clinical testing. Allele origin: germline. Not counted in ClinVar's aggregate classification.
Comment: This variant is classified as likely benign based on ACMG/AMP sequence variant interpretation guidelines (Richards et al. 2015 PMID: 25741868, with internal and published modifications).